The following is an entry in ClinVar:

NM_000059.4(BRCA2):c.987G>A (p.Arg329=)

Gene: BRCA2 (BRCA2 DNA repair associated; plus strand). Cytogenetic location: 13q13.1.
Variant type: single nucleotide variant.
Coding change: c.987G>A on transcript NM_000059.4 (MANE Select); coding-DNA position 987, G replaced by A.
Protein change: p.Arg329=; no amino-acid change (arginine 329 retained).
Molecular consequence: synonymous variant.
Genome position (GRCh38, 1-based): chr13:32,332,465, G>A. VCF-style: chr13-32332465-G-A. GRCh37 (hg19) VCF-style: chr13-32906602-G-A.
Other names: NP_000050.3:p.Arg329=.
Identifiers: ClinVar variation 219579 (VCV000219579.75), dbSNP rs561002197, ClinGen allele CA348441.

ClinVar aggregate classification (germline): Benign. Review status: reviewed by expert panel (3 of 4 stars). 18 submissions from 18 submitters: Benign (1). 17 of the submissions do not count toward it. Last evaluated 2017-06-29.

Conditions:
BRCA2-related disorder. Also called: BRCA2-related condition; BRCA2-related disorders. Identifiers: MedGen CN239275.
Hereditary cancer-predisposing syndrome. Also called: Neoplastic Syndromes, Hereditary; Hereditary Cancer Syndrome; Tumor predisposition; Hereditary neoplastic syndrome. Identifiers: Orphanet 140162, MedGen C0027672, MeSH D009386, MONDO:0015356.
Hereditary breast ovarian cancer syndrome. Also called: BRCA1- and BRCA2-Associated Hereditary Breast and Ovarian Cancer; Hereditary breast and ovarian cancer syndrome (HBOC); Hereditary breast and ovarian cancer syndrome; Hereditary breast and ovarian cancer; Hereditary breast and/or ovarian cancer syndrome; Breast and ovarian cancer. Identifiers: Orphanet 145, MedGen C0677776, MeSH D061325, MONDO:0003582. Disease mechanism: loss of function.
Breast-ovarian cancer, familial, susceptibility to, 2 (BROVCA2). Also called: BRCA2 Hereditary Breast and Ovarian Cancer. Identifiers: Orphanet 145, MedGen C2675520, MONDO:0012933, OMIM 612555. Disease mechanism: loss of function.
Familial cancer of breast. Also called: Hereditary breast cancer; hereditary breast carcinoma; BREAST CANCER, FAMILIAL. Identifiers: Orphanet 227535, MedGen C0346153, MONDO:0016419, OMIM 114480. Disease mechanism: loss of function.

Allele frequency attached by ClinVar (database versions not stated): gnomAD 0.00001 and 0.00007; TOPMed 0.00001; gnomAD exomes 0.00012 and 0.00021; 1000 Genomes Project 0.00020; ExAC 0.00022; 1000 Genomes Project 30x 0.00031.
gnomAD v4.1: 186 of 1,592,942 alleles (0.012%); highest among the groups gnomAD compares: South Asian, 0.2%; 2 homozygotes.

Submissions (18):

Evidence-based Network for the Interpretation of Germline Mutant Alleles (ENIGMA)
Classification: Benign for Breast-ovarian cancer, familial, susceptibility to, 2. Last evaluated: 2017-06-29. Review status: reviewed by expert panel. Criteria: ENIGMA BRCA1/2 Classification Criteria (2017-06-29). Collection method: curation. Allele origin: germline.
Comment: Synonymous substitution variant, with low bioinformatic likelihood to alter mRNA splicing (splicing prior 0.02) and frequency 0.0016 (South Asian), derived from ExAC (2014-12-17).

Labcorp Genetics (formerly Invitae), Labcorp
Classification: Likely benign for Hereditary breast ovarian cancer syndrome. Last evaluated: 2025-11-17. Review status: criteria provided, single submitter. Criteria: Invitae Variant Classification Sherloc (09022015). Collection method: clinical testing. Allele origin: germline. Not counted in ClinVar's aggregate classification.

PreventionGenetics, part of Exact Sciences
Classification: Likely benign for BRCA2-related condition. Last evaluated: 2025-03-30. Review status: criteria provided, single submitter. Criteria: ACMG Guidelines, 2015. Collection method: clinical testing. Allele origin: germline. Not counted in ClinVar's aggregate classification.
Comment: This variant is classified as likely benign based on ACMG/AMP sequence variant interpretation guidelines (Richards et al. 2015 PMID: 25741868, with internal and published modifications).

Center for Genomic Medicine, Rigshospitalet, Copenhagen University Hospital
Classification: Benign. Last evaluated: 2025-03-04. Review status: criteria provided, single submitter. Criteria: ACMG Guidelines, 2015. Collection method: clinical testing. Allele origin: germline. Not counted in ClinVar's aggregate classification.

KCCC/NGS Laboratory, Kuwait Cancer Control Center
Classification: Benign for Familial cancer of breast. Last evaluated: 2025-02-01. Review status: criteria provided, single submitter. Criteria: ACMG Guidelines, 2015. Collection method: clinical testing. Allele origin: germline. Affected: no. Not counted in ClinVar's aggregate classification.

Blueprint Genetics
Classification: Likely benign. Last evaluated: 2024-11-06. Review status: criteria provided, single submitter. Criteria: ACMG Guidelines, 2015. Collection method: clinical testing. Allele origin: germline. Not counted in ClinVar's aggregate classification.

CeGaT Center for Human Genetics Tuebingen
Classification: Likely benign. Last evaluated: 2024-10-01. Review status: criteria provided, single submitter. Criteria: CeGaT Center For Human Genetics Tuebingen Variant Classification Criteria Version 2. Collection method: clinical testing. Allele origin: germline. Affected: yes. Observed: 2 variant alleles. Not counted in ClinVar's aggregate classification.
Comment: BRCA2: BP4, BP7

Institute for Biomarker Research, Medical Diagnostic Laboratories, L.L.C.
Classification: Benign for Hereditary breast ovarian cancer syndrome. Last evaluated: 2024-07-16. Review status: criteria provided, single submitter. Criteria: ACMG Guidelines, 2015. Collection method: clinical testing. Allele origin: germline. Not counted in ClinVar's aggregate classification.

All of Us Research Program, National Institutes of Health
Classification: Likely benign for Breast-ovarian cancer, familial, susceptibility to, 2. Last evaluated: 2024-02-05. Review status: criteria provided, single submitter. Criteria: ACMG Guidelines, 2015. Collection method: clinical testing. Allele origin: germline. Inheritance: Autosomal dominant inheritance. Observed: 2 variant alleles, 2 heterozygotes. Not counted in ClinVar's aggregate classification.
Comment: This study involves interpretation of variants in research participants for the purpose of population health screening. Participant phenotype was not available at the time of variant classification. Additional details can be found in publication PMID: 35346344, PMCID: PMC8962531

Quest Diagnostics Nichols Institute San Juan Capistrano
Classification: Benign. Last evaluated: 2023-06-19. Review status: criteria provided, single submitter. Criteria: Quest Diagnostics criteria. Collection method: clinical testing. Allele origin: unknown. Not counted in ClinVar's aggregate classification.

National Health Laboratory Service, Universitas Academic Hospital and University of the Free State
Classification: Benign for Hereditary breast ovarian cancer syndrome. Last evaluated: 2022-04-19. Review status: criteria provided, single submitter. Criteria: ACMG Guidelines, 2015. Collection method: clinical testing. Allele origin: germline. Affected: yes. Observed: 2 variant alleles. Not counted in ClinVar's aggregate classification.

Sema4
Classification: Likely benign for Hereditary cancer-predisposing syndrome. Last evaluated: 2021-11-17. Review status: criteria provided, single submitter. Criteria: Sema4 Curation Guidelines. Collection method: curation. Allele origin: germline. Not counted in ClinVar's aggregate classification.

Women's Health and Genetics/Laboratory Corporation of America, LabCorp
Classification: Likely benign. Last evaluated: 2020-01-25. Review status: criteria provided, single submitter. Criteria: LabCorp Variant Classification Summary - May 2015. Collection method: clinical testing. Allele origin: germline. Not counted in ClinVar's aggregate classification.

GeneDx
Classification: Likely benign. Last evaluated: 2018-09-26. Review status: criteria provided, single submitter. Criteria: GeneDx Variant Classification Process June 2021. Collection method: clinical testing. Allele origin: germline. Affected: yes. Not counted in ClinVar's aggregate classification.

Color Diagnostics, LLC DBA Color Health
Classification: Likely benign for Hereditary cancer-predisposing syndrome. Last evaluated: 2017-04-24. Review status: criteria provided, single submitter. Criteria: ACMG Guidelines, 2015. Collection method: clinical testing. Allele origin: germline. Not counted in ClinVar's aggregate classification.

Ambry Genetics
Classification: Likely benign for Hereditary cancer-predisposing syndrome. Last evaluated: 2014-09-17. Review status: criteria provided, single submitter. Criteria: Ambry Variant Classification Scheme 2023. Collection method: clinical testing. Allele origin: germline. Not counted in ClinVar's aggregate classification.

Diagnostic Laboratory, Department of Genetics, University Medical Center Groningen
Classification: Benign. Review status: no assertion criteria provided. Collection method: clinical testing. Allele origin: germline. Affected: yes. Study: VKGL Data-share Consensus. Not counted in ClinVar's aggregate classification.

Joint Genome Diagnostic Labs from Nijmegen and Maastricht, Radboudumc and MUMC+
Classification: Likely benign. Review status: no assertion criteria provided. Collection method: clinical testing. Allele origin: germline. Affected: yes. Study: VKGL Data-share Consensus. Not counted in ClinVar's aggregate classification.

Literature cited by the submitters: DOI 10.3389/fgene.2022.834265 (cited by National Health Laboratory Service, Universitas Academic Hospital and University of the Free State).